The following is an entry in ClinVar:

ClinVar aggregate classification (germline): Uncertain significance (1 of 4 stars; one submission).

gnomAD v4.1: 2 of 1,614,052 alleles (0.00012%); highest among the groups gnomAD compares: African/African-American, 0.0013%; no homozygotes.

Submission:

GeneDx
Classification: Uncertain significance. Last evaluated: 2024-02-22. Review status: criteria provided, single submitter. Criteria: GeneDx Variant Classification Process June 2021. Collection method: clinical testing. Allele origin: germline. Affected: yes.
Comment: Not observed at significant frequency in large population cohorts (gnomAD); In silico analysis supports that this missense variant has a deleterious effect on protein structure/function; Has not been previously published as pathogenic or benign to our knowledge

NM_207361.6(FREM2):c.7319C>T (p.Pro2440Leu)

Gene: FREM2 (FRAS1 related extracellular matrix 2; plus strand). Cytogenetic location: 13q13.3.
Variant type: single nucleotide variant.
Coding change: c.7319C>T on transcript NM_207361.6 (MANE Select); coding-DNA position 7319, C replaced by T.
Protein change: p.Pro2440Leu; replaces proline 2440 with leucine.
Molecular consequence: missense variant.
Genome position (GRCh38, 1-based): chr13:38,859,390, C>T. VCF-style: chr13-38859390-C-T. GRCh37 (hg19) VCF-style: chr13-39433527-C-T.
Other names: short protein forms P2440L.
Identifiers: ClinVar variation 3369407 (VCV003369407.1).